The following is an entry in ClinVar:

NM_001306080.2(LMO7):c.4278A>G (p.Thr1426=)

Gene: LMO7 (LIM domain 7; plus strand). Cytogenetic location: 13q22.2.
Variant type: single nucleotide variant.
Coding change: c.4278A>G on transcript NM_001306080.2 (MANE Select); coding-DNA position 4278, A replaced by G.
Protein change: p.Thr1426=; no amino-acid change (threonine 1426 retained).
Molecular consequence: synonymous variant.
Genome position (GRCh38, 1-based): chr13:75,849,206, A>G. VCF-style: chr13-75849206-A-G. GRCh37 (hg19) VCF-style: chr13-76423342-A-G.
Other names: c.3579A>G, p.Thr1193= (NM_001330583.1, NM_001366632.2, NM_015842.2); c.4152A>G, p.Thr1384= (NM_001366633.2); c.3297A>G, p.Thr1099= (NM_001366634.2, NM_001366636.2); c.3432A>G, p.Thr1144= (NM_005358.5).
Identifiers: ClinVar variation 4993376 (VCV004993376.1).

ClinVar aggregate classification (germline): Likely benign (1 of 4 stars; one submission).

Conditions:
LMO7-related disorder. Also called: LMO7-related condition.

gnomAD v4.1: 2 of 1,614,012 alleles (0.00012%); highest among the groups gnomAD compares: Non-Finnish European, 0.00017%; no homozygotes.

Submission:

PreventionGenetics, part of Exact Sciences
Classification: Likely benign for LMO7-related condition. Last evaluated: 2026-03-14. Review status: criteria provided, single submitter. Criteria: ACMG Guidelines, 2015. Collection method: clinical testing. Allele origin: germline.
Comment: This variant is classified as likely benign based on ACMG/AMP sequence variant interpretation guidelines (Richards et al. 2015 PMID: 25741868, with internal and published modifications).